The following is an entry in ClinVar:

NM_012123.4(MTO1):c.1882G>A (p.Val628Ile)

Gene: MTO1 (mitochondrial tRNA translation optimization 1; plus strand). Cytogenetic location: 6q13.
Variant type: single nucleotide variant.
Coding change: c.1882G>A on transcript NM_012123.4 (MANE Select); coding-DNA position 1882, G replaced by A.
Protein change: p.Val628Ile; replaces valine 628 with isoleucine.
Molecular consequence: missense variant.
Genome position (GRCh38, 1-based): chr6:73,497,861, G>A. VCF-style: chr6-73497861-G-A. GRCh37 (hg19) VCF-style: chr6-74207584-G-A.
Other names: c.2002G>A, p.Val668Ile (NM_001123226.2); c.1957G>A, p.Val653Ile (NM_133645.3); short protein forms V653I, V628I, V668I.
Identifiers: ClinVar variation 1426037 (VCV001426037.8), dbSNP rs1772033614, ClinGen allele CA364701222.

ClinVar aggregate classification (germline): Uncertain significance (1 of 4 stars; one submission).

Conditions:
Mitochondrial hypertrophic cardiomyopathy with lactic acidosis due to MTO1 deficiency. Also called: CARDIOMYOPATHY, INFANTILE HYPERTROPHIC MITOCHONDRIAL, AND LACTIC ACIDOSIS; Combined oxidative phosphorylation deficiency 10. Identifiers: Orphanet 314637, MedGen C4749921, MONDO:0013865, OMIM 614702.

Allele frequency attached by ClinVar (database versions not stated): gnomAD exomes below 0.00001; TOPMed below 0.00001.
gnomAD v4.1: 3 of 1,613,200 alleles (0.00019%); highest among the groups gnomAD compares: Middle Eastern, 0.033%; no homozygotes.

Submission:

Labcorp Genetics (formerly Invitae), Labcorp
Classification: Uncertain significance for Mitochondrial hypertrophic cardiomyopathy with lactic acidosis due to MTO1 deficiency. Last evaluated: 2025-12-08. Review status: criteria provided, single submitter. Criteria: Invitae Variant Classification Sherloc (09022015). Collection method: clinical testing. Allele origin: germline.
Comment: This sequence change replaces valine, which is neutral and non-polar, with isoleucine, which is neutral and non-polar, at codon 628 of the MTO1 protein (p.Val628Ile). This variant is not present in population databases (gnomAD no frequency). This variant has not been reported in the literature in individuals affected with MTO1-related conditions. ClinVar contains an entry for this variant (Variation ID: 1426037). Invitae Evidence Modeling of protein sequence and biophysical properties (such as structural, functional, and spatial information, amino acid conservation, physicochemical variation, residue mobility, and thermodynamic stability) indicates that this missense variant is not expected to disrupt MTO1 protein function with a negative predictive value of 95%. In summary, the available evidence is currently insufficient to determine the role of this variant in disease. Therefore, it has been classified as a Variant of Uncertain Significance.